The following is an entry in ClinVar:

NM_006904.7(PRKDC):c.11032G>C (p.Gly3678Arg)

Gene: PRKDC (protein kinase, DNA-activated, catalytic subunit; minus strand). Cytogenetic location: 8q11.21.
Variant type: single nucleotide variant.
Coding change: c.11032G>C on transcript NM_006904.7 (MANE Select); coding-DNA position 11032, G replaced by C.
Protein change: p.Gly3678Arg; replaces glycine 3678 with arginine.
Molecular consequence: missense variant.
Genome position (GRCh38, 1-based): chr8:47,785,188, C>G on the plus strand (G>C on the coding strand, the complement: PRKDC is on the minus strand). VCF-style: chr8-47785188-C-G. GRCh37 (hg19) VCF-style: chr8-48697749-C-G.
Other names: c.11032G>C, p.Gly3678Arg (NM_001081640.2); short protein forms G3678R.
Identifiers: ClinVar variation 1792901 (VCV001792901.2), dbSNP rs2551860897, ClinGen allele CA371131052.

ClinVar aggregate classification (germline): Uncertain significance (1 of 4 stars; one submission).

Submission:

Ambry Genetics
Classification: Uncertain significance. Last evaluated: 2022-10-27. Review status: criteria provided, single submitter. Criteria: Ambry Variant Classification Scheme 2023. Collection method: clinical testing. Allele origin: germline.
Comment: The p.G3678R variant (also known as c.11032G>C), located in coding exon 77 of the PRKDC gene, results from a G to C substitution at nucleotide position 11032. The glycine at codon 3678 is replaced by arginine, an amino acid with dissimilar properties. This amino acid position is conserved. In addition, the in silico prediction for this alteration is inconclusive. Since supporting evidence is limited at this time, the clinical significance of this alteration remains unclear.